The following is an entry in ClinVar:

NM_145038.5(DRC1):c.1775C>T (p.Thr592Met)

Gene: DRC1 (dynein regulatory complex subunit 1; plus strand). Cytogenetic location: 2p23.3.
Variant type: single nucleotide variant.
Coding change: c.1775C>T on transcript NM_145038.5 (MANE Select); coding-DNA position 1775, C replaced by T.
Protein change: p.Thr592Met; replaces threonine 592 with methionine.
Molecular consequence: missense variant.
Genome position (GRCh38, 1-based): chr2:26,453,405, C>T. VCF-style: chr2-26453405-C-T. GRCh37 (hg19) VCF-style: chr2-26676273-C-T.
Other names: c.1775C>T (NM_145038.2); short protein forms T592M.
Identifiers: ClinVar variation 971114 (VCV000971114.7), dbSNP rs144885892, ClinGen allele CA1562399.

ClinVar aggregate classification (germline): Uncertain significance. Review status: criteria provided, multiple submitters, no conflicts (2 of 4 stars). 2 submissions from 2 submitters: Uncertain significance (2). Last evaluated 2022-05-03.

Conditions:
Inborn genetic diseases. Identifiers: MedGen C0950123, MeSH D030342.
Primary ciliary dyskinesia. Also called: Ciliary dyskinesia. Identifiers: Orphanet 244, MedGen C0008780, MONDO:0016575, HP:0012265.

Allele frequency attached by ClinVar (database versions not stated): gnomAD 0.00007 and 0.00012; TOPMed 0.00007; ESP Exome Variant Server 0.00008; gnomAD exomes 0.00015 and 0.00024; 1000 Genomes Project 30x 0.00016; ExAC 0.00017; 1000 Genomes Project 0.00020.
gnomAD v4.1: 230 of 1,613,990 alleles (0.014%); highest among the groups gnomAD compares: South Asian, 0.2%; 1 homozygote.

Submissions (2):

Labcorp Genetics (formerly Invitae), Labcorp
Classification: Uncertain significance for Primary ciliary dyskinesia. Last evaluated: 2022-05-03. Review status: criteria provided, single submitter. Criteria: Invitae Variant Classification Sherloc (09022015). Collection method: clinical testing. Allele origin: germline.
Comment: This sequence change replaces threonine, which is neutral and polar, with methionine, which is neutral and non-polar, at codon 592 of the DRC1 protein (p.Thr592Met). This variant is present in population databases (rs144885892, gnomAD 0.2%). This variant has not been reported in the literature in individuals affected with DRC1-related conditions. ClinVar contains an entry for this variant (Variation ID: 971114). Algorithms developed to predict the effect of missense changes on protein structure and function (SIFT, PolyPhen-2, Align-GVGD) all suggest that this variant is likely to be tolerated. In summary, the available evidence is currently insufficient to determine the role of this variant in disease. Therefore, it has been classified as a Variant of Uncertain Significance.

Ambry Genetics
Classification: Uncertain significance for Inborn genetic diseases. Last evaluated: 2021-08-12. Review status: criteria provided, single submitter. Criteria: Ambry Variant Classification Scheme 2023. Collection method: clinical testing. Allele origin: germline.